The following is an entry in ClinVar:

ClinVar aggregate classification (germline): Pathogenic. Review status: criteria provided, single submitter (1 of 4 stars). 2 submissions from 2 submitters: Pathogenic (1). 1 of the submissions does not count toward it. Last evaluated 2024-06-10.

Conditions:
Coffin-Siris syndrome 6. Identifiers: MedGen C4540499, MONDO:0033492, OMIM 617808.

Submissions (2):

Laboratorio de Genetica e Diagnostico Molecular, Hospital Israelita Albert Einstein
Classification: Pathogenic for Coffin-Siris syndrome 6. Last evaluated: 2024-06-10. Review status: criteria provided, single submitter. Criteria: ACMG Guidelines, 2015. Collection method: clinical testing. Allele origin: germline. Affected: yes.
Comment: ACMG classification criteria: PVS1 very strong, PS4 supporting, PM2 supporting

OMIM
Classification: Pathogenic for COFFIN-SIRIS SYNDROME 6. Last evaluated: 2017-12-13. Review status: no assertion criteria provided. Collection method: literature only. Allele origin: germline. Not counted in ClinVar's aggregate classification.

Literature cited by the submitters: PubMed 28124119 (cited by OMIM).

NM_152641.4(ARID2):c.156del (p.Arg53fs)

Genes: ARID2 (AT-rich interaction domain 2; plus strand), LOC130007728 (ATAC-STARR-seq lymphoblastoid silent region 4376; plus strand). Cytogenetic location: 12q12.
Variant type: Deletion.
Coding change: c.156del on transcript NM_152641.4 (MANE Select); coding-DNA position 156, one base deleted (C; older notation c.156delC).
Protein change: p.Arg53fs; shifts the reading frame from arginine 53.
Molecular consequence: frameshift variant.
Genome position (GRCh38, 1-based): chr12:45,730,107, C deleted; the last of 2 consecutive C bases (chr12:45,730,106-45,730,107); deleting either gives the same sequence. VCF-style (leftmost placement, unchanged base first): chr12-45730105-AC-A. GRCh37 (hg19) VCF-style: chr12-46123888-AC-A.
Other names: c.156del, p.Arg53fs (NM_001347839.2); short protein forms R53fs.
Identifiers: ClinVar variation 448920 (VCV000448920.2), dbSNP rs1555139310, ClinGen allele CA658658136.
Genomic context (GRCh38, chr12:45,730,105, plus strand): 5'-TCGCCTTTTAAAAAAATCCCTGCGGTGGGTGGGAAGGAGCTGGATCTTCACGGTCTCTAC[AC>A]CAGAGTCACTACTTTAGGCGGATTCGCGAAGGTGAGTGGAAGTTTTAATTTGTATTTCCC-3'